The following is an entry in ClinVar:

ClinVar aggregate classification (germline): Uncertain significance (1 of 4 stars; one submission).

Conditions:
Inborn genetic diseases. Identifiers: MedGen C0950123, MeSH D030342.

Submission:

Ambry Genetics
Classification: Uncertain significance for Inborn genetic diseases. Last evaluated: 2020-05-15. Review status: criteria provided, single submitter. Criteria: Ambry Variant Classification Scheme 2023. Collection method: clinical testing. Allele origin: germline.
Comment: The p.K238R variant (also known as c.713A>G), located in coding exon 7 of the YARS gene, results from an A to G substitution at nucleotide position 713. The lysine at codon 238 is replaced by arginine, an amino acid with highly similar properties. This amino acid position is well conserved in available vertebrate species. In addition, this alteration is predicted to be tolerated by in silico analysis. Since supporting evidence is limited at this time, the clinical significance of this alteration remains unclear.

NM_003680.4(YARS1):c.713A>G (p.Lys238Arg)

Genes: YARS1 (tyrosyl-tRNA synthetase 1; minus strand), LOC126805688 (BRD4-independent group 4 enhancer GRCh37_chr1:33251929-33253128; plus strand). Cytogenetic location: 1p35.1.
Variant type: single nucleotide variant.
Coding change: c.713A>G on transcript NM_003680.4 (MANE Select); coding-DNA position 713, A replaced by G.
Protein change: p.Lys238Arg; replaces lysine 238 with arginine.
Molecular consequence: missense variant.
Genome position (GRCh38, 1-based): chr1:32,787,047, T>C on the plus strand (A>G on the coding strand, the complement: YARS1 is on the minus strand). VCF-style: chr1-32787047-T-C. GRCh37 (hg19) VCF-style: chr1-33252648-T-C.
Other names: short protein forms K238R.
Identifiers: ClinVar variation 1800287 (VCV001800287.2), dbSNP rs2523373354, ClinGen allele CA339685397.